The following is an entry in ClinVar:

NM_001037333.3(CYFIP2):c.351G>A (p.Pro117=)

Gene: CYFIP2 (cytoplasmic FMR1 interacting protein 2; plus strand). Cytogenetic location: 5q33.3.
Variant type: single nucleotide variant.
Coding change: c.351G>A on transcript NM_001037333.3 (MANE Select); coding-DNA position 351, G replaced by A.
Protein change: p.Pro117=; no amino-acid change (proline 117 retained).
Molecular consequence: synonymous variant.
Genome position (GRCh38, 1-based): chr5:157,296,738, G>A. VCF-style: chr5-157296738-G-A. GRCh37 (hg19) VCF-style: chr5-156723746-G-A.
Other names: c.351G>A (NM_001291722.1); c.273G>A, p.Pro91= (NM_001291721.2); c.351G>A, p.Pro117= (NM_001291722.2, NM_014376.4).
Identifiers: ClinVar variation 2428421 (VCV002428421.9), dbSNP rs566420283, ClinGen allele CA3533342.

ClinVar aggregate classification (germline): Likely benign. Review status: criteria provided, single submitter (1 of 4 stars). 2 submissions from 2 submitters: Likely benign (1). 1 of the submissions does not count toward it. Last evaluated 2024-07-03.

Conditions:
CYFIP2-related disorder. Also called: CYFIP2-related condition.

Allele frequency attached by ClinVar (database versions not stated): gnomAD exomes 0.00003; ExAC 0.00005; 1000 Genomes Project 30x 0.00016; 1000 Genomes Project 0.00020.
gnomAD v4.1: 40 of 1,613,770 alleles (0.0025%); highest among the groups gnomAD compares: Admixed American, 0.015%; no homozygotes.

Submissions (2):

Labcorp Genetics (formerly Invitae), Labcorp
Classification: Likely benign. Last evaluated: 2024-07-03. Review status: criteria provided, single submitter. Criteria: Invitae Variant Classification Sherloc (09022015). Collection method: clinical testing. Allele origin: germline.

PreventionGenetics, part of Exact Sciences
Classification: Likely benign for CYFIP2-related condition. Last evaluated: 2021-04-15. Review status: no assertion criteria provided. Collection method: clinical testing. Allele origin: germline. Not counted in ClinVar's aggregate classification.
Comment: This variant is classified as likely benign based on ACMG/AMP sequence variant interpretation guidelines (Richards et al. 2015 PMID: 25741868, with internal and published modifications).